The following is an entry in ClinVar:

ClinVar aggregate classification (germline): Conflicting classifications of pathogenicity. Review status: criteria provided, conflicting classifications (1 of 4 stars). 3 submissions from 3 submitters: Likely pathogenic (1); Uncertain significance (2). Last evaluated 2023-04-28.

Conditions:
Inborn genetic diseases. Identifiers: MedGen C0950123, MeSH D030342.

Allele frequency attached by ClinVar (database versions not stated): ExAC 0.00002; gnomAD 0.00002.
gnomAD v4.1: 156 of 1,612,072 alleles (0.0097%); highest among the groups gnomAD compares: Non-Finnish European, 0.013%; no homozygotes.

Submissions (3):

Mayo Clinic Laboratories, Mayo Clinic
Classification: Uncertain significance. Last evaluated: 2023-04-28. Review status: criteria provided, single submitter. Criteria: ACMG Guidelines, 2015. Collection method: clinical testing. Allele origin: germline. Observed: 1 variant allele.
Comment: PVS1_strong

Labcorp Genetics (formerly Invitae), Labcorp
Classification: Likely pathogenic. Last evaluated: 2022-08-22. Review status: criteria provided, single submitter. Criteria: Invitae Variant Classification Sherloc (09022015). Collection method: clinical testing. Allele origin: germline.
Comment: This variant is present in population databases (rs759452442, gnomAD 0.006%). This sequence change affects an acceptor splice site in intron 13 of the COL4A2 gene. It is expected to disrupt RNA splicing. Variants that disrupt the donor or acceptor splice site typically lead to a loss of protein function (PMID: 16199547), and loss-of-function variants in COL4A2 are known to be pathogenic (PMID: 22333902, 30315939). In summary, the currently available evidence indicates that the variant is pathogenic, but additional data are needed to prove that conclusively. Therefore, this variant has been classified as Likely Pathogenic. Algorithms developed to predict the effect of sequence changes on RNA splicing suggest that this variant may disrupt the consensus splice site. This variant has not been reported in the literature in individuals affected with COL4A2-related conditions.

Ambry Genetics
Classification: Uncertain significance for Inborn genetic diseases. Last evaluated: 2021-10-11. Review status: criteria provided, single submitter. Criteria: Ambry Variant Classification Scheme 2023. Collection method: clinical testing. Allele origin: germline.
Comment: Loss of function has not been clearly established as a mechanism of disease Based on insufficient or conflicting evidence, the clinical significance of this alteration remains unclear.

Literature cited by the submitters: PubMed 33912663 (cited by Mayo Clinic Laboratories, Mayo Clinic); PubMed 16199547 (cited by Labcorp Genetics (formerly Invitae), Labcorp); PubMed 22333902 (cited by Labcorp Genetics (formerly Invitae), Labcorp); PubMed 30315939 (cited by Labcorp Genetics (formerly Invitae), Labcorp).

NM_001846.4(COL4A2):c.826-1G>T

Gene: COL4A2 (collagen type IV alpha 2 chain; plus strand). Cytogenetic location: 13q34.
Variant type: single nucleotide variant.
Coding change: c.826-1G>T on transcript NM_001846.4 (MANE Select); the canonical splice acceptor site of the intron before coding-DNA position 826, G replaced by T.
Molecular consequence: splice acceptor variant.
Genome position (GRCh38, 1-based): chr13:110,438,001, G>T. VCF-style: chr13-110438001-G-T. GRCh37 (hg19) VCF-style: chr13-111090348-G-T.
Identifiers: ClinVar variation 1903421 (VCV001903421.7), dbSNP rs759452442, ClinGen allele CA7049133.